The following is an entry in ClinVar:

NM_003412.4(ZIC1):c.1117C>A (p.His373Asn)

Gene: ZIC1 (Zic family member 1; plus strand). Cytogenetic location: 3q24.
Variant type: single nucleotide variant.
Coding change: c.1117C>A on transcript NM_003412.4 (MANE Select); coding-DNA position 1117, C replaced by A.
Protein change: p.His373Asn; replaces histidine 373 with asparagine.
Molecular consequence: missense variant.
Genome position (GRCh38, 1-based): chr3:147,412,652, C>A. VCF-style: chr3-147412652-C-A. GRCh37 (hg19) VCF-style: chr3-147130439-C-A.
Other names: short protein forms H373N.
Identifiers: ClinVar variation 1342557 (VCV001342557.1), dbSNP rs2107994263, ClinGen allele CA354898274.

ClinVar aggregate classification (germline): Likely pathogenic (1 of 4 stars; one submission).

Conditions:
Structural brain anomalies with impaired intellectual development and craniosynostosis. Identifiers: MedGen C5231485, MONDO:0032892, OMIM 618736.

Submission:

New York Genome Center
Classification: Likely pathogenic for Structural brain anomalies with impaired intellectual development and craniosynostosis. Last evaluated: 2021-05-01. Review status: criteria provided, single submitter. Criteria: NYGC Assertion Criteria 2020. Collection method: clinical testing. Allele origin: de novo. Observed: 1 heterozygote. Study: CSER-NYCKidSeq.
Comment: The de novo c.1117C>A, p.His373Asn missense heterozygous variant identified in the ZIC1 gene has not been reported in the literature. This variant is not reported in the gnomAD database, indicating a rare allele,and in silico tools predict a deleterious effect. The variant is located in the zinc finger domain 'C2H2-type 5' of ZIC1 protein. Based on the available evidence, the de novo c.1117C>A, p.His373Asn variant in the ZIC1 gene is classified as likely pathogenic.